The following is an entry in ClinVar:

NM_003072.5(SMARCA4):c.1968T>C (p.Asp656=)

Gene: SMARCA4 (SWI/SNF related BAF chromatin remodeling complex subunit ATPase 4; plus strand). Cytogenetic location: 19p13.2.
Variant type: single nucleotide variant.
Coding change: c.1968T>C on transcript NM_003072.5 (MANE Select); coding-DNA position 1968, T replaced by C.
Protein change: p.Asp656=; no amino-acid change (aspartic acid 656 retained).
Molecular consequence: synonymous variant. On other transcripts: non-coding transcript variant (1).
Genome position (GRCh38, 1-based): chr19:11,003,364, T>C. VCF-style: chr19-11003364-T-C. GRCh37 (hg19) VCF-style: chr19-11114040-T-C.
Other names: c.1968T>C, p.Asp656= (NM_001128844.3, NM_001128845.2, NM_001128846.2 and 5 more transcripts).
Identifiers: ClinVar variation 415087 (VCV000415087.22), dbSNP rs750161079, ClinGen allele CA9203961.

ClinVar aggregate classification (germline): Benign/Likely benign. Review status: criteria provided, multiple submitters, no conflicts (2 of 4 stars). 6 submissions from 6 submitters: Benign (2); Likely benign (4). Last evaluated 2026-07-10.

Conditions:
Rhabdoid tumor predisposition syndrome 2 (RTPS2). Identifiers: Orphanet 231108, Orphanet 69077, MedGen C2750074, MONDO:0013224, OMIM 613325.
Hereditary cancer-predisposing syndrome. Also called: Hereditary Cancer Syndrome; Hereditary neoplastic syndrome; Neoplastic Syndromes, Hereditary; Tumor predisposition. Identifiers: Orphanet 140162, MedGen C0027672, MeSH D009386, MONDO:0015356.
Intellectual disability, autosomal dominant 16 (CSS4). Also called: COFFIN-SIRIS SYNDROME 4. Identifiers: Orphanet 1465, MedGen C3553249, MONDO:0013821, OMIM 614609.

Allele frequency attached by ClinVar (database versions not stated): gnomAD 0.00001 and 0.00002; TOPMed 0.00001; gnomAD exomes 0.00004 and 0.00001; ExAC 0.00004.
gnomAD v4.1: 21 of 1,614,000 alleles (0.0013%); highest among the groups gnomAD compares: Admixed American, 0.02%; no homozygotes.

Submissions (6):

Myriad Genetics, Inc.
Classification: Benign for Rhabdoid tumor predisposition syndrome 2. Last evaluated: 2026-07-10. Review status: criteria provided, single submitter. Criteria: Myriad Autosomal Dominant, Autosomal Recessive and X-Linked Classification Criteria (2023). Collection method: clinical testing. Allele origin: unknown.
Comment: This variant is considered benign. This variant is a silent/synonymous amino acid change and it is not expected to impact splicing.

Labcorp Genetics (formerly Invitae), Labcorp
Classification: Likely benign for Rhabdoid tumor predisposition syndrome 2. Last evaluated: 2026-01-13. Review status: criteria provided, single submitter. Criteria: Invitae Variant Classification Sherloc (09022015). Collection method: clinical testing. Allele origin: germline.

Genome-Nilou Lab
Classification: Likely benign for Intellectual disability, autosomal dominant 16. Last evaluated: 2021-07-15. Review status: criteria provided, single submitter. Criteria: ACMG Guidelines, 2015. Collection method: clinical testing. Allele origin: germline. Affected: no.

Quest Diagnostics Nichols Institute San Juan Capistrano
Classification: Benign. Last evaluated: 2021-05-18. Review status: criteria provided, single submitter. Criteria: Quest Diagnostics criteria. Collection method: clinical testing. Allele origin: unknown.

GeneDx
Classification: Likely benign. Last evaluated: 2020-11-04. Review status: criteria provided, single submitter. Criteria: GeneDx Variant Classification Process June 2021. Collection method: clinical testing. Allele origin: germline. Affected: yes.

Ambry Genetics
Classification: Likely benign for Hereditary cancer-predisposing syndrome. Last evaluated: 2016-02-16. Review status: criteria provided, single submitter. Criteria: Ambry Variant Classification Scheme 2023. Collection method: clinical testing. Allele origin: germline.